The following is an entry in ClinVar:

NM_003803.4(MYOM1):c.2290G>A (p.Asp764Asn)

Gene: MYOM1 (myomesin 1; minus strand). Cytogenetic location: 18p11.31.
Variant type: single nucleotide variant.
Coding change: c.2290G>A on transcript NM_003803.4 (MANE Select); coding-DNA position 2290, G replaced by A.
Protein change: p.Asp764Asn; replaces aspartic acid 764 with asparagine.
Molecular consequence: missense variant.
Genome position (GRCh38, 1-based): chr18:3,134,744, C>T on the plus strand (G>A on the coding strand, the complement: MYOM1 is on the minus strand). VCF-style: chr18-3134744-C-T. GRCh37 (hg19) VCF-style: chr18-3134742-C-T.
Other names: c.2290G>A, p.Asp764Asn (NM_019856.2); short protein forms D764N.
Identifiers: ClinVar variation 5025278 (VCV005025278.1).
Genomic context (GRCh38, chr18:3,134,744, plus strand): 5'-CCCACTTGCCAGAGCCAGCAACGCTCGCCTCTATGTAGTACCCGACCAGCTCTTTGGCAT[C>T]TTTGGACTCCTCCCACGAAACTACCACTGAGGTGTCTGTGTTTCTGCTTGGGATGATTTT-3'
Protein context (NP_003794.3, residues 754-774): SVVVSWEESK[Asp764Asn]AKELVGYYIE

ClinVar aggregate classification (germline): Uncertain significance (1 of 4 stars; one submission).

gnomAD v4.1: 2 of 1,613,854 alleles (0.00012%); no homozygotes.

Submission:

Ambry Genetics
Classification: Uncertain significance. Last evaluated: 2026-08-08. Review status: criteria provided, single submitter. Criteria: Ambry Variant Classification Scheme 2023. Collection method: clinical testing. Allele origin: germline.
Comment: The p.D764N variant (also known as c.2290G>A), located in coding exon 15 of the MYOM1 gene, results from a G to A substitution at nucleotide position 2290. The aspartic acid at codon 764 is replaced by asparagine, an amino acid with highly similar properties. This amino acid position is conserved. In addition, this alteration is predicted to be tolerated by in silico analysis. Based on the available evidence, the clinical significance of this variant remains unclear.